The following is an entry in ClinVar:

ClinVar aggregate classification (germline): Uncertain significance. Review status: criteria provided, multiple submitters, no conflicts (2 of 4 stars). 3 submissions from 3 submitters: Uncertain significance (3). Last evaluated 2024-10-16.

Conditions:
Long QT syndrome (LQTS). Identifiers: MedGen C0023976, MeSH D008133, MONDO:0002442. Disease mechanism: loss of function. Inheritance: Various modes of inheritance.
Cardiovascular phenotype. Identifiers: MedGen CN230736.

Submissions (3):

GeneDx
Classification: Uncertain significance. Last evaluated: 2024-10-16. Review status: criteria provided, single submitter. Criteria: GeneDx Variant Classification Process June 2021. Collection method: clinical testing. Allele origin: germline. Affected: yes.
Comment: Nonsense variant predicted to result in protein truncation or nonsense mediated decay in a gene or region of a gene for which loss of function is not a well-established mechanism of disease; Not observed at significant frequency in large population cohorts (gnomAD); Has not been previously published as pathogenic or benign to our knowledge

Labcorp Genetics (formerly Invitae), Labcorp
Classification: Uncertain significance for Long QT syndrome. Last evaluated: 2024-02-23. Review status: criteria provided, single submitter. Criteria: Invitae Variant Classification Sherloc (09022015). Collection method: clinical testing. Allele origin: germline.
Comment: This sequence change creates a premature translational stop signal (p.Trp20*) in the KCNJ5 gene. It is expected to result in an absent or disrupted protein product. However, the current clinical and genetic evidence is not sufficient to establish whether loss-of-function variants in KCNJ5 cause disease. This variant is not present in population databases (gnomAD no frequency). This variant has not been reported in the literature in individuals affected with KCNJ5-related conditions. ClinVar contains an entry for this variant (Variation ID: 1464407). In summary, the available evidence is currently insufficient to determine the role of this variant in disease. Therefore, it has been classified as a Variant of Uncertain Significance.

Ambry Genetics
Classification: Uncertain significance for Cardiovascular phenotype. Last evaluated: 2021-04-12. Review status: criteria provided, single submitter. Criteria: Ambry Variant Classification Scheme 2023. Collection method: clinical testing. Allele origin: germline.
Comment: The c.60_61delGG variant, located in coding exon 1 of the KCNJ5 gene, results from a deletion of two nucleotides at nucleotide positions 60 to 61, causing a translational frameshift with a predicted alternate stop codon (p.W20*). This alteration is expected to result in premature protein truncation or nonsense-mediated mRNA decay. However, loss of function of KCNJ5 has not been clearly established as a mechanism of disease. Since supporting evidence is limited at this time, the clinical significance of this alteration remains unclear.

NM_000890.5(KCNJ5):c.60_61del (p.Trp20_Asp21delinsTer)

Gene: KCNJ5 (potassium inwardly rectifying channel subfamily J member 5; plus strand). Cytogenetic location: 11q24.3.
Variant type: Deletion.
Coding change: c.60_61del on transcript NM_000890.5 (MANE Select); coding-DNA positions 60 to 61, 2 bases deleted (GG; older notation c.60_61delGG).
Protein change: p.Trp20_Asp21delinsTer.
Molecular consequence: nonsense.
Genome position (GRCh38, 1-based): chr11:128,911,333-128,911,334, GG deleted; deleting any 2 consecutive bases within chr11:128,911,332-128,911,334 gives the same sequence; the c. name uses the placement nearest the transcript's 3' end. VCF-style (leftmost placement, unchanged base first): chr11-128911331-TGG-T. GRCh37 (hg19) VCF-style: chr11-128781226-TGG-T.
Other names: c.60_61del (NM_000890.3); c.60_61del, p.Trp20_Asp21delinsTer (NM_001354169.2); c.60_61delGG (NM_000890.3).
Identifiers: ClinVar variation 1464407 (VCV001464407.9), dbSNP rs1177055098, ClinGen allele CA673273931.
Genomic context (GRCh38, chr11:128,911,331, plus strand): 5'-GCTATGGCTGGCGATTCTAGGAATGCCATGAACCAGGACATGGAGATTGGAGTCACTCCC[TGG>T]GACCCCAAGAAGATTCCAAAACAGGCCCGCGATTATGTCCCCATTGCCACAGACCGTACG-3'